The following is an entry in ClinVar:

ClinVar aggregate classification (germline): Uncertain significance (1 of 4 stars; one submission).

gnomAD v4.1: 1 of 1,613,368 alleles (0.000062%); highest among the groups gnomAD compares: Non-Finnish European, 0.000085%; no homozygotes.

Submission:

GeneDx
Classification: Uncertain significance. Last evaluated: 2024-08-15. Review status: criteria provided, single submitter. Criteria: GeneDx Variant Classification Process June 2021. Collection method: clinical testing. Allele origin: germline. Affected: yes.
Comment: Not observed at significant frequency in large population cohorts (gnomAD); In silico analysis supports that this missense variant has a deleterious effect on protein structure/function; Has not been previously published as pathogenic or benign to our knowledge

NM_001352027.3(PHF21A):c.113A>G (p.His38Arg)

Gene: PHF21A (PHD finger protein 21A; minus strand). Cytogenetic location: 11p11.2.
Variant type: single nucleotide variant.
Coding change: c.113A>G on transcript NM_001352027.3 (MANE Select); coding-DNA position 113, A replaced by G.
Protein change: p.His38Arg; replaces histidine 38 with arginine.
Molecular consequence: missense variant. On other transcripts: non-coding transcript variant (2).
Genome position (GRCh38, 1-based): chr11:46,076,794, T>C on the plus strand (A>G on the coding strand, the complement: PHF21A is on the minus strand). VCF-style: chr11-46076794-T-C. GRCh37 (hg19) VCF-style: chr11-46098345-T-C.
Other names: c.113A>G, p.His38Arg (NM_001101802.3, NM_001352025.3, NM_001352026.3 and 6 more transcripts); short protein forms H38R.
Identifiers: ClinVar variation 3731228 (VCV003731228.1).